The following is an entry in ClinVar:

ClinVar aggregate classification (germline): Uncertain significance (1 of 4 stars; one submission).

gnomAD v4.1: 13 of 1,612,154 alleles (0.00081%); highest among the groups gnomAD compares: African/African-American, 0.0027%; no homozygotes.

Submission:

Labcorp Genetics (formerly Invitae), Labcorp
Classification: Uncertain significance. Last evaluated: 2025-05-01. Review status: criteria provided, single submitter. Criteria: Invitae Variant Classification Sherloc (09022015). Collection method: clinical testing. Allele origin: germline.
Comment: This sequence change replaces proline, which is neutral and non-polar, with leucine, which is neutral and non-polar, at codon 350 of the TRAP1 protein (p.Pro350Leu). This variant is present in population databases (rs111548439, gnomAD 0.01%). This variant has not been reported in the literature in individuals affected with TRAP1-related conditions. ClinVar contains an entry for this variant (Variation ID: 1933948). Invitae Evidence Modeling of protein sequence and biophysical properties (such as structural, functional, and spatial information, amino acid conservation, physicochemical variation, residue mobility, and thermodynamic stability) indicates that this missense variant is not expected to disrupt TRAP1 protein function with a negative predictive value of 80%. In summary, the available evidence is currently insufficient to determine the role of this variant in disease. Therefore, it has been classified as a Variant of Uncertain Significance.

NM_016292.3(TRAP1):c.1049C>T (p.Pro350Leu)

Gene: TRAP1 (TNF receptor associated protein 1; minus strand). Cytogenetic location: 16p13.3.
Variant type: single nucleotide variant.
Coding change: c.1049C>T on transcript NM_016292.3 (MANE Select); coding-DNA position 1049, C replaced by T.
Protein change: p.Pro350Leu; replaces proline 350 with leucine.
Molecular consequence: missense variant.
Genome position (GRCh38, 1-based): chr16:3,672,816, G>A on the plus strand (C>T on the coding strand, the complement: TRAP1 is on the minus strand). VCF-style: chr16-3672816-G-A. GRCh37 (hg19) VCF-style: chr16-3722817-G-A.
Other names: c.890C>T, p.Pro297Leu (NM_001272049.2); short protein forms P350L, P297L.
Identifiers: ClinVar variation 1933948 (VCV001933948.5), dbSNP rs111548439, ClinGen allele CA276997092.